The following is an entry in ClinVar:

NM_001329943.3(KIAA0586):c.956A>G (p.Lys319Arg)

Gene: KIAA0586 (KIAA0586; plus strand). Cytogenetic location: 14q23.1.
Variant type: single nucleotide variant.
Coding change: c.956A>G on transcript NM_001329943.3 (MANE Select); coding-DNA position 956, A replaced by G.
Protein change: p.Lys319Arg; replaces lysine 319 with arginine.
Molecular consequence: missense variant.
Genome position (GRCh38, 1-based): chr14:58,448,488, A>G. VCF-style: chr14-58448488-A-G. GRCh37 (hg19) VCF-style: chr14-58915206-A-G.
Other names: c.1115A>G, p.Lys372Arg (NM_001244189.2); c.911A>G, p.Lys304Arg (NM_001244190.2); c.701A>G, p.Lys234Arg (NM_001244191.2, NM_001329945.2, NM_001364700.1 and 1 more transcripts); c.824A>G, p.Lys275Arg (NM_001244192.2); c.536A>G, p.Lys179Arg (NM_001244193.2); c.956A>G, p.Lys319Arg (NM_001329944.2, NM_001329946.2, NM_001329947.2 and 1 more transcripts); short protein forms K179R, K275R, K234R, K372R, K319R, K304R.
Identifiers: ClinVar variation 1493696 (VCV001493696.5), dbSNP rs1297972335, ClinGen allele CA389864279.

ClinVar aggregate classification (germline): Uncertain significance (1 of 4 stars; one submission).

Conditions:
Short-rib thoracic dysplasia 14 with polydactyly (SRTD14). Identifiers: Orphanet 397715, MedGen C4225286, MONDO:0014688, OMIM 616546.
Joubert syndrome 23 (JBTS23). Identifiers: Orphanet 475, MedGen C4084822, MONDO:0014664, OMIM 616490.

Allele frequency attached by ClinVar (database versions not stated): gnomAD exomes 0.00001 and below 0.00001.
gnomAD v4.1: 4 of 1,601,768 alleles (0.00025%); highest among the groups gnomAD compares: Admixed American, 0.0034%; no homozygotes.

Submission:

Labcorp Genetics (formerly Invitae), Labcorp
Classification: Uncertain significance for Joubert syndrome 23; Short-rib thoracic dysplasia 14 with polydactyly. Last evaluated: 2025-05-04. Review status: criteria provided, single submitter. Criteria: Invitae Variant Classification Sherloc (09022015). Collection method: clinical testing. Allele origin: germline.
Comment: This sequence change replaces lysine, which is basic and polar, with arginine, which is basic and polar, at codon 372 of the KIAA0586 protein (p.Lys372Arg). This variant is present in population databases (no rsID available, gnomAD 0.006%). This variant has not been reported in the literature in individuals affected with KIAA0586-related conditions. ClinVar contains an entry for this variant (Variation ID: 1493696). Invitae Evidence Modeling of protein sequence and biophysical properties (such as structural, functional, and spatial information, amino acid conservation, physicochemical variation, residue mobility, and thermodynamic stability) indicates that this missense variant is not expected to disrupt KIAA0586 protein function with a negative predictive value of 80%. In summary, the available evidence is currently insufficient to determine the role of this variant in disease. Therefore, it has been classified as a Variant of Uncertain Significance.